The following is an entry in ClinVar:

ClinVar aggregate classification (germline): Uncertain significance (1 of 4 stars; one submission).

Submission:

GeneDx
Classification: Uncertain significance. Last evaluated: 2022-11-30. Review status: criteria provided, single submitter. Criteria: GeneDx Variant Classification Process June 2021. Collection method: clinical testing. Allele origin: germline. Affected: yes.
Comment: Not observed at significant frequency in large population cohorts (gnomAD); Nonsense variant predicted to result in protein truncation or nonsense mediated decay in a gene or region of a gene for which loss of function is not a well-established mechanism of disease; Has not been previously published as pathogenic or benign to our knowledge

NM_001270.4(CHD1):c.1218_1219delinsGT (p.Tyr406_Pro407delinsTer)

Gene: CHD1 (chromodomain helicase DNA binding protein 1; minus strand). Cytogenetic location: 5q15.
Variant type: Indel.
Coding change: c.1218_1219delinsGT on transcript NM_001270.4 (MANE Select); coding-DNA positions 1218 to 1219, TC replaced by GT.
Protein change: p.Tyr406_Pro407delinsTer.
Molecular consequence: nonsense. On other transcripts: non-coding transcript variant (2).
Genome position (GRCh38, 1-based): chr5:98,898,402-98,898,403, GA replaced by AC on the plus strand (TC replaced by GT on the coding strand, the reverse complement: CHD1 is on the minus strand). VCF-style: chr5-98898402-GA-AC. GRCh37 (hg19) VCF-style: chr5-98234106-GA-AC.
Other names: c.1218_1219delinsGT, p.Tyr406_Pro407delinsTer (NM_001364113.3, NM_001376194.2).
Identifiers: ClinVar variation 2504270 (VCV002504270.1), dbSNP rs2479691035, ClinGen allele CA2580613611.
Genomic context (GRCh38, chr5:98,898,402, plus strand): 5'-CTCCATCTTCCCAGCTGCACTCTGAGTATGGAAGGCCCTGCCATTTGCAGTAATAATCAG[GA>AC]TAACCAGCTGCTGACTTTTGATTGGAATGAGCTGTGAGAGAATCAGGCATTTACTTATTT-3'